The following is an entry in ClinVar:

ClinVar aggregate classification (germline): Uncertain significance (1 of 4 stars; one submission).

Conditions:
Cowden syndrome 6 (CWS6). Identifiers: Orphanet 201, MedGen C3554519, MONDO:0014048, OMIM 615109.

Allele frequency attached by ClinVar (database versions not stated): gnomAD exomes 0.00001.

Submission:

Labcorp Genetics (formerly Invitae), Labcorp
Classification: Uncertain significance for Cowden syndrome 6. Last evaluated: 2023-10-11. Review status: criteria provided, single submitter. Criteria: Invitae Variant Classification Sherloc (09022015). Collection method: clinical testing. Allele origin: germline.
Comment: This variant, c.372_377del, results in the deletion of 2 amino acid(s) of the AKT1 protein (p.Pro125_Ser126del), but otherwise preserves the integrity of the reading frame. This variant is not present in population databases (gnomAD no frequency). This variant has not been reported in the literature in individuals affected with AKT1-related conditions. Experimental studies and prediction algorithms are not available or were not evaluated, and the functional significance of this variant is currently unknown. In summary, the available evidence is currently insufficient to determine the role of this variant in disease. Therefore, it has been classified as a Variant of Uncertain Significance.

NM_001382430.1(AKT1):c.372_377del (p.Pro125_Ser126del)

Gene: AKT1 (AKT serine/threonine kinase 1; minus strand). Cytogenetic location: 14q32.33.
Variant type: Deletion.
Coding change: c.372_377del on transcript NM_001382430.1 (MANE Select); coding-DNA positions 372 to 377, 6 bases deleted (ACCCAG; older notation c.372_377delACCCAG).
Protein change: p.Pro125_Ser126del.
Molecular consequence: inframe deletion.
Genome position (GRCh38, 1-based): chr14:104,775,710-104,775,715, CTGGGT deleted on the plus strand (ACCCAG on the coding strand, the reverse complement: AKT1 is on the minus strand). VCF-style (leftmost placement, unchanged base first): chr14-104775709-ACTGGGT-A. GRCh37 (hg19) VCF-style: chr14-105242046-ACTGGGT-A.
Other names: c.372_377del, p.Pro125_Ser126del (NM_001014431.2, NM_001014432.2, NM_001382431.1 and 3 more transcripts).
Identifiers: ClinVar variation 2763799 (VCV002763799.3), dbSNP rs2542149458, ClinGen allele CA2626843496.